The following is an entry in ClinVar:

ClinVar aggregate classification (germline): Likely benign. Review status: criteria provided, multiple submitters, no conflicts (2 of 4 stars). 2 submissions from 2 submitters: Likely benign (2). Last evaluated 2025-12-09.

Conditions:
Tuberous sclerosis 2 (TSC2). Identifiers: Orphanet 805, MedGen C1860707, MONDO:0013199, OMIM 613254.

Submissions (2):

Labcorp Genetics (formerly Invitae), Labcorp
Classification: Likely benign for Tuberous sclerosis 2. Last evaluated: 2025-12-09. Review status: criteria provided, single submitter. Criteria: Invitae Variant Classification Sherloc (09022015). Collection method: clinical testing. Allele origin: germline.

Myriad Genetics, Inc.
Classification: Likely benign for Tuberous sclerosis 2. Last evaluated: 2025-05-08. Review status: criteria provided, single submitter. Criteria: Myriad Autosomal Dominant, Autosomal Recessive and X-Linked Classification Criteria (2023). Collection method: clinical testing. Allele origin: unknown.
Comment: This variant is considered likely benign. This variant is intronic and is not expected to impact mRNA splicing.

NM_000548.5(TSC2):c.600-14G>T

Gene: TSC2 (TSC complex subunit 2; plus strand). Cytogenetic location: 16p13.3.
Variant type: single nucleotide variant.
Coding change: c.600-14G>T on transcript NM_000548.5 (MANE Select); 14 bases into the intron before coding-DNA position 600, G replaced by T.
Molecular consequence: intron variant. On other transcripts: 5 prime UTR variant (4).
Genome position (GRCh38, 1-based): chr16:2,056,182, G>T. VCF-style: chr16-2056182-G-T. GRCh37 (hg19) VCF-style: chr16-2106183-G-T.
Other names: c.-15G>T (NM_001406680.1, NM_001406683.1, NM_001406687.1); c.-846G>T (NM_001406693.1); c.690-14G>T (NM_001406667.1, NM_001406668.1); c.-832-14G>T (NM_001406689.1, NM_001406690.1, NM_001406692.1 and 2 more transcripts); c.-1008-14G>T (NM_001406698.1); c.600-14G>T (NM_001114382.3, NM_001406663.1, NM_001406664.1 and 8 more transcripts); c.-713-14G>T (NM_001406694.1, NM_001406695.1); c.-820-14G>T (NM_001406696.1); and 6 more.
Identifiers: ClinVar variation 2757715 (VCV002757715.4), dbSNP rs1229656999, ClinGen allele CA394310447.